The following is an entry in ClinVar:

ClinVar aggregate classification (germline): Uncertain significance (1 of 4 stars; one submission).

Conditions:
Hereditary cancer-predisposing syndrome. Also called: Hereditary Cancer Syndrome; Neoplastic Syndromes, Hereditary; Tumor predisposition; Hereditary neoplastic syndrome. Identifiers: Orphanet 140162, MedGen C0027672, MeSH D009386, MONDO:0015356.

Submission:

Ambry Genetics
Classification: Uncertain significance for Hereditary cancer-predisposing syndrome. Last evaluated: 2016-07-07. Review status: criteria provided, single submitter. Criteria: Ambry Variant Classification Scheme 2023. Collection method: clinical testing. Allele origin: germline.
Comment: The c.*1T>C variant is located in the 3' untranslated region (3&rsquo;UTR) of the MRE11A gene. This variant results from a T to C substitution one nucleotide after the termination codon of the MRE11A gene. This variant was not reported in population based cohorts in the following databases: Database of Single Nucleotide Polymorphisms (dbSNP), NHLBI Exome Sequencing Project (ESP), and 1000 Genomes Project. In the ESP, this variant was not observed in 6490 samples (12980 alleles) with coverage at this position. To date, this alteration has been detected with an allele frequency of approximately 0.001% (greater than 175000 alleles tested) in our clinical cohort. This nucleotide position is highly conserved in available vertebrate species. Since supporting evidence is limited at this time, the clinical significance of this alteration remains unclear.

NM_005591.4(MRE11):c.*1T>C

Gene: MRE11 (MRE11 double strand break repair nuclease; minus strand). Cytogenetic location: 11q21.
Variant type: single nucleotide variant.
Coding change: c.*1T>C on transcript NM_005591.4 (MANE Select); 1 bases downstream of the stop codon, T replaced by C.
Molecular consequence: 3 prime UTR variant.
Genome position (GRCh38, 1-based): chr11:94,420,124, A>G on the plus strand (T>C on the coding strand, the complement: MRE11 is on the minus strand). VCF-style: chr11-94420124-A-G. GRCh37 (hg19) VCF-style: chr11-94153290-A-G.
Other names: c.*1T>C (NM_001330347.2, NM_005590.4).
Identifiers: ClinVar variation 479755 (VCV000479755.5), dbSNP rs1554996668, ClinGen allele CA658658091.